The following is an entry in ClinVar:

ClinVar aggregate classification (germline): Uncertain significance (1 of 4 stars; one submission).

Conditions:
Hereditary cancer-predisposing syndrome. Also called: Neoplastic Syndromes, Hereditary; Tumor predisposition; Hereditary Cancer Syndrome; Hereditary neoplastic syndrome. Identifiers: Orphanet 140162, MedGen C0027672, MeSH D009386, MONDO:0015356.

Submission:

Ambry Genetics
Classification: Uncertain significance for Hereditary cancer-predisposing syndrome. Last evaluated: 2024-10-19. Review status: criteria provided, single submitter. Criteria: Ambry Variant Classification Scheme 2023. Collection method: clinical testing. Allele origin: germline.
Comment: The c.2848_2850delAAG variant (also known as p.K950del) is located in coding exon 18 of the RAD50 gene. This variant results from an in-frame AAG deletion at nucleotide positions 2848 to 2850. This results in the in-frame deletion of a lysine at codon 950. This amino acid position is highly conserved in available vertebrate species. In addition, the in silico prediction for this alteration is inconclusive (Choi Y et al. PLoS ONE. 2012; 7(10):e46688). Based on the available evidence, the clinical significance of this variant remains unclear.

NM_005732.4(RAD50):c.2848_2850del (p.Lys950del)

Gene: RAD50 (RAD50 double strand break repair protein; plus strand). Cytogenetic location: 5q31.1.
Variant type: Deletion.
Coding change: c.2848_2850del on transcript NM_005732.4 (MANE Select); coding-DNA positions 2848 to 2850, 3 bases deleted (AAG; older notation c.2848_2850delAAG).
Protein change: p.Lys950del; deletes lysine 950.
Genome position (GRCh38, 1-based): chr5:132,609,135-132,609,137, AAG deleted; deleting any 3 consecutive bases within chr5:132,609,133-132,609,137 gives the same sequence; the c. name uses the placement nearest the transcript's 3' end. VCF-style (leftmost placement, unchanged base first): chr5-132609132-GAGA-G. GRCh37 (hg19) VCF-style: chr5-131944824-GAGA-G.
Other names: short protein forms K950del.
Identifiers: ClinVar variation 3429470 (VCV003429470.1).